The following is an entry in ClinVar:

NM_001127649.3(PEX26):c.396del (p.Glu133fs)

Gene: PEX26 (peroxisomal biogenesis factor 26; plus strand). Cytogenetic location: 22q11.21.
Variant type: Deletion.
Coding change: c.396del on transcript NM_001127649.3 (MANE Select); coding-DNA position 396, one base deleted (A; older notation c.396delA).
Protein change: p.Glu133fs; shifts the reading frame from glutamic acid 133.
Molecular consequence: frameshift variant.
Genome position (GRCh38, 1-based): chr22:18,083,461, A deleted; the last of 2 consecutive A bases (chr22:18,083,460-18,083,461); deleting either gives the same sequence. VCF-style (leftmost placement, unchanged base first): chr22-18083459-CA-C. GRCh37 (hg19) VCF-style: chr22-18566225-CA-C.
Other names: c.396del, p.Glu133fs (NM_001199319.2, NM_017929.6); short protein forms E133fs.
Identifiers: ClinVar variation 2942734 (VCV002942734.3), dbSNP rs2517670770, ClinGen allele CA2740094773.
Genomic context (GRCh38, chr22:18,083,459, plus strand): 5'-TCTTCTTTTGTTGGGATTGGGTTTTTTGGGGACTGCAGCATTCTTTTATACAGCAAAATG[CA>C]AGAGCCTGGAGCTGTGCTGGATGTGGTGGGTGCCTGGCTCCAAGACCCAGCCAATCAAAA-3'

ClinVar aggregate classification (germline): Pathogenic (1 of 4 stars; one submission).

Conditions:
Peroxisome biogenesis disorder 7A (Zellweger). Also called: Peroxisome biogenesis disorder 7A. Identifiers: Orphanet 912, MedGen C3888385, MONDO:0013938, OMIM 614872.
Peroxisome biogenesis disorder 7B (PBD7B). Identifiers: Orphanet 44, MedGen C3553951, MONDO:0013939, OMIM 614873.

Submission:

Labcorp Genetics (formerly Invitae), Labcorp
Classification: Pathogenic for Peroxisome biogenesis disorder 7A (Zellweger); Peroxisome biogenesis disorder 7B. Last evaluated: 2022-12-26. Review status: criteria provided, single submitter. Criteria: Invitae Variant Classification Sherloc (09022015). Collection method: clinical testing. Allele origin: germline.
Comment: For these reasons, this variant has been classified as Pathogenic. Algorithms developed to predict the effect of sequence changes on RNA splicing suggest that this variant may create or strengthen a splice site. This variant has not been reported in the literature in individuals affected with PEX26-related conditions. This variant is not present in population databases (gnomAD no frequency). This sequence change creates a premature translational stop signal (p.Glu133Serfs*48) in the PEX26 gene. It is expected to result in an absent or disrupted protein product. Loss-of-function variants in PEX26 are known to be pathogenic (PMID: 12851857, 21031596).

Literature cited by the submitters: PubMed 12851857; PubMed 21031596.